The following is an entry in ClinVar:

ClinVar aggregate classification (germline): Uncertain significance (1 of 4 stars; one submission).

Submission:

Labcorp Genetics (formerly Invitae), Labcorp
Classification: Uncertain significance. Last evaluated: 2023-12-06. Review status: criteria provided, single submitter. Criteria: Invitae Variant Classification Sherloc (09022015). Collection method: clinical testing. Allele origin: germline.
Comment: This sequence change replaces glutamic acid, which is acidic and polar, with alanine, which is neutral and non-polar, at codon 671 of the LRIT3 protein (p.Glu671Ala). This variant is not present in population databases (gnomAD no frequency). This variant has not been reported in the literature in individuals affected with LRIT3-related conditions. ClinVar contains an entry for this variant (Variation ID: 1391554). An algorithm developed to predict the effect of missense changes on protein structure and function (PolyPhen-2) suggests that this variant is likely to be tolerated. In summary, the available evidence is currently insufficient to determine the role of this variant in disease. Therefore, it has been classified as a Variant of Uncertain Significance.

NM_198506.5(LRIT3):c.2012A>C (p.Glu671Ala)

Gene: LRIT3 (leucine rich repeat, Ig-like and transmembrane domains 3; plus strand). Cytogenetic location: 4q25.
Variant type: single nucleotide variant.
Coding change: c.2012A>C on transcript NM_198506.5 (MANE Select); coding-DNA position 2012, A replaced by C.
Protein change: p.Glu671Ala; replaces glutamic acid 671 with alanine.
Molecular consequence: missense variant.
Genome position (GRCh38, 1-based): chr4:109,870,761, A>C. VCF-style: chr4-109870761-A-C. GRCh37 (hg19) VCF-style: chr4-110791917-A-C.
Other names: short protein forms E671A.
Identifiers: ClinVar variation 1391554 (VCV001391554.6), dbSNP rs2125901851, ClinGen allele CA357873373.